The following is an entry in ClinVar:

ClinVar aggregate classification (germline): Uncertain significance (1 of 4 stars; one submission).

Submission:

CeGaT Center for Human Genetics Tuebingen
Classification: Uncertain significance. Last evaluated: 2024-05-01. Review status: criteria provided, single submitter. Criteria: CeGaT Center For Human Genetics Tuebingen Variant Classification Criteria Version 2. Collection method: clinical testing. Allele origin: germline. Affected: yes. Observed: 1 variant allele.
Comment: FLT4: PM2, PM5

NM_182925.5(FLT4):c.3823A>T (p.Ser1275Cys)

Gene: FLT4 (fms related receptor tyrosine kinase 4; minus strand). Cytogenetic location: 5q35.3.
Variant type: single nucleotide variant.
Coding change: c.3823A>T on transcript NM_182925.5 (MANE Select); coding-DNA position 3823, A replaced by T.
Protein change: p.Ser1275Cys; replaces serine 1275 with cysteine.
Molecular consequence: missense variant.
Genome position (GRCh38, 1-based): chr5:180,609,038, T>A on the plus strand (A>T on the coding strand, the complement: FLT4 is on the minus strand). VCF-style: chr5-180609038-T-A. GRCh37 (hg19) VCF-style: chr5-180036038-T-A.
Other names: c.3823A>T, p.Ser1275Cys (NM_001354989.2, NM_002020.5); short protein forms S1275C.
Identifiers: ClinVar variation 3239531 (VCV003239531.19), dbSNP rs1309404142.